The following is an entry in ClinVar:

NM_002458.3(MUC5B):c.807G>A (p.Pro269=)

Gene: MUC5B (mucin 5B, oligomeric mucus/gel-forming; plus strand). Cytogenetic location: 11p15.5.
Variant type: single nucleotide variant.
Coding change: c.807G>A on transcript NM_002458.3 (MANE Select); coding-DNA position 807, G replaced by A.
Protein change: p.Pro269=; no amino-acid change (proline 269 retained).
Molecular consequence: synonymous variant.
Genome position (GRCh38, 1-based): chr11:1,228,596, G>A. VCF-style: chr11-1228596-G-A. GRCh37 (hg19) VCF-style: chr11-1249826-G-A.
Identifiers: ClinVar variation 4821226 (VCV004821226.4).

ClinVar aggregate classification (germline): Likely benign (1 of 4 stars; one submission).

Submission:

CeGaT Center for Human Genetics Tuebingen
Classification: Likely benign. Last evaluated: 2026-01-01. Review status: criteria provided, single submitter. Criteria: CeGaT Center For Human Genetics Tuebingen Variant Classification Criteria Version 2. Collection method: clinical testing. Allele origin: germline. Affected: yes. Observed: 2 variant alleles.
Comment: MUC5B: BP4, BP7